The following is an entry in ClinVar:

NM_001042492.3(NF1):c.5390A>C (p.Asn1797Thr)

Gene: NF1 (neurofibromin 1; plus strand). Cytogenetic location: 17q11.2.
Variant type: single nucleotide variant.
Coding change: c.5390A>C on transcript NM_001042492.3 (MANE Select); coding-DNA position 5390, A replaced by C.
Protein change: p.Asn1797Thr; replaces asparagine 1797 with threonine.
Molecular consequence: missense variant.
Genome position (GRCh38, 1-based): chr17:31,327,620, A>C. VCF-style: chr17-31327620-A-C. GRCh37 (hg19) VCF-style: chr17-29654638-A-C.
Other names: c.5327A>C, p.Asn1776Thr (NM_000267.4); short protein forms N1797T, N1776T.
Identifiers: ClinVar variation 3404681 (VCV003404681.1).

ClinVar aggregate classification (germline): Uncertain significance (1 of 4 stars; one submission).

Conditions:
Hereditary cancer-predisposing syndrome. Also called: Hereditary Cancer Syndrome; Tumor predisposition; Hereditary neoplastic syndrome; Neoplastic Syndromes, Hereditary. Identifiers: Orphanet 140162, MedGen C0027672, MeSH D009386, MONDO:0015356.
Cardiovascular phenotype. Identifiers: MedGen CN230736.

Submission:

Ambry Genetics
Classification: Uncertain significance for Cardiovascular phenotype; Hereditary cancer-predisposing syndrome. Last evaluated: 2024-07-27. Review status: criteria provided, single submitter. Criteria: Ambry Variant Classification Scheme 2023. Collection method: clinical testing. Allele origin: germline.
Comment: The p.N1776T variant (also known as c.5327A>C), located in coding exon 37 of the NF1 gene, results from an A to C substitution at nucleotide position 5327. The asparagine at codon 1776 is replaced by threonine, an amino acid with similar properties. This amino acid position is conserved. In addition, the in silico prediction for this alteration is inconclusive. Based on the available evidence, the clinical significance of this variant remains unclear.